The following is an entry in ClinVar:

ClinVar aggregate classification (germline): Benign/Likely benign. Review status: criteria provided, multiple submitters, no conflicts (2 of 4 stars). 15 submissions from 15 submitters: Benign (11); Likely benign (1). 3 of the submissions do not count toward it. Last evaluated 2026-02-04.

Conditions:
Hereditary cancer-predisposing syndrome. Also called: Tumor predisposition; Hereditary neoplastic syndrome; Neoplastic Syndromes, Hereditary; Hereditary Cancer Syndrome. Identifiers: Orphanet 140162, MedGen C0027672, MeSH D009386, MONDO:0015356.
Bloom syndrome (BLM). Also called: Bloom-Torre-Machacek syndrome. Identifiers: Orphanet 125, MedGen C0005859, MONDO:0008876, OMIM 210900.

Allele frequency attached by ClinVar (database versions not stated): ExAC 0.06634; 1000 Genomes Project 30x 0.06652; 1000 Genomes Project 0.06709; TOPMed 0.07300; ESP Exome Variant Server 0.07535; gnomAD 0.07933 and 0.08093.
gnomAD v4.1: 116,351 of 1,614,020 alleles (7.2%); highest among the groups gnomAD compares: African/African-American, 9.5%; 4,643 homozygotes.

Submissions (15):

Labcorp Genetics (formerly Invitae), Labcorp
Classification: Benign for Bloom syndrome. Last evaluated: 2026-02-04. Review status: criteria provided, single submitter. Criteria: Invitae Variant Classification Sherloc (09022015). Collection method: clinical testing. Allele origin: germline.

ARUP Laboratories, Molecular Genetics and Genomics, ARUP Laboratories
Classification: Benign for Bloom syndrome. Last evaluated: 2025-07-21. Review status: criteria provided, single submitter. Criteria: ARUP Molecular Germline Variant Investigation Process 2024. Collection method: clinical testing. Allele origin: germline.

GeneKor MSA
Classification: Benign for Hereditary cancer-predisposing syndrome. Last evaluated: 2025-07-10. Review status: criteria provided, single submitter. Criteria: ACMG Guidelines, 2015. Collection method: clinical testing. Allele origin: germline.

Blueprint Genetics
Classification: Likely benign. Last evaluated: 2024-11-27. Review status: criteria provided, single submitter. Criteria: ACMG Guidelines, 2015. Collection method: clinical testing. Allele origin: germline.

KCCC/NGS Laboratory, Kuwait Cancer Control Center
Classification: Benign for Bloom syndrome. Last evaluated: 2023-07-07. Review status: criteria provided, single submitter. Criteria: ACMG Guidelines, 2015. Collection method: clinical testing. Allele origin: germline. Affected: yes.

Genome-Nilou Lab
Classification: Benign for Bloom syndrome. Last evaluated: 2021-05-18. Review status: criteria provided, single submitter. Criteria: ACMG Guidelines, 2015. Collection method: clinical testing. Allele origin: germline. Affected: no.

Mayo Clinic Laboratories, Mayo Clinic
Classification: Benign. Last evaluated: 2021-04-26. Review status: criteria provided, single submitter. Criteria: ACMG Guidelines, 2015. Collection method: clinical testing. Allele origin: germline. Observed: 28 variant alleles.

Illumina Laboratory Services, Illumina
Classification: Benign for Bloom syndrome. Last evaluated: 2018-01-13. Review status: criteria provided, single submitter. Criteria: ICSL Variant Classification Criteria 13 December 2019. Collection method: clinical testing. Allele origin: germline.
Comment: This variant was observed in the ICSL laboratory as part of a predisposition screen in an ostensibly healthy population. It had not been previously curated by ICSL or reported in the Human Gene Mutation Database (HGMD: prior to June 1st, 2018), and was therefore a candidate for classification through an automated scoring system. Utilizing variant allele frequency, disease prevalence and penetrance estimates, and inheritance mode, an automated score was calculated to assess if this variant is too frequent to cause the disease. Based on the score and internal cut-off values, a variant classified as benign is not then subjected to further curation. The score for this variant resulted in a classification of benign for this disease.

Ambry Genetics
Classification: Benign for Hereditary cancer-predisposing syndrome. Last evaluated: 2016-08-12. Review status: criteria provided, single submitter. Criteria: Ambry Variant Classification Scheme 2023. Collection method: clinical testing. Allele origin: germline.

GeneDx
Classification: Benign. Last evaluated: 2015-03-03. Review status: criteria provided, single submitter. Criteria: GeneDx Variant Classification Process June 2021. Collection method: clinical testing. Allele origin: germline. Affected: yes.
Comment: This variant is associated with the following publications: (PMID: 24728327)

Breakthrough Genomics
Classification: Benign. Review status: criteria provided, single submitter. Criteria: ACMG Guidelines, 2015. Collection method: not provided. Allele origin: germline. Inheritance: Autosomal recessive inheritance. Affected: yes.

PreventionGenetics, part of Exact Sciences
Classification: Benign. Review status: criteria provided, single submitter. Criteria: ACMG Guidelines, 2015. Collection method: clinical testing. Allele origin: germline.

Natera, Inc.
Classification: Benign for Bloom syndrome. Last evaluated: 2017-03-28. Review status: no assertion criteria provided. Collection method: clinical testing. Allele origin: germline. Not counted in ClinVar's aggregate classification.

ITMI
No classification provided. Condition: AllHighlyPenetrant. Last evaluated: 2013-09-19. Review status: no classification provided. Collection method: reference population. Allele origin: germline. Not counted in ClinVar's aggregate classification.
Comment: Please see associated publication for description of ethnicities

Genetic Services Laboratory, University of Chicago
Classification: Likely benign for AllHighlyPenetrant. Review status: no assertion criteria provided. Collection method: clinical testing. Allele origin: germline. Inheritance: Autosomal recessive inheritance. Not counted in ClinVar's aggregate classification.
Comment: Likely benign based on allele frequency in 1000 Genomes Project or ESP global frequency and its presence in a patient with a rare or unrelated disease phenotype. NOT Sanger confirmed.

Literature cited by the submitters: PubMed 24728327 (cited by ITMI).

NM_000057.4(BLM):c.3961G>A (p.Val1321Ile)

Gene: BLM (BLM RecQ like helicase; plus strand). Cytogenetic location: 15q26.1.
Variant type: single nucleotide variant.
Coding change: c.3961G>A on transcript NM_000057.4 (MANE Select); coding-DNA position 3961, G replaced by A.
Protein change: p.Val1321Ile; replaces valine 1321 with isoleucine.
Molecular consequence: missense variant.
Genome position (GRCh38, 1-based): chr15:90,811,291, G>A. VCF-style: chr15-90811291-G-A. GRCh37 (hg19) VCF-style: chr15-91354521-G-A.
Other names: c.3961G>A (LRG_20t1); c.3961G>A, p.Val1321Ile (NM_001287246.2); c.3568G>A, p.Val1190Ile (NM_001287247.2); c.2836G>A, p.Val946Ile (NM_001287248.2); short protein forms V1321I, V946I, V1190I.
Identifiers: ClinVar variation 128530 (VCV000128530.43), dbSNP rs7167216, ClinGen allele CA152047.